The following is an entry in ClinVar:

ClinVar aggregate classification (germline): Uncertain significance (1 of 4 stars; one submission).

Submission:

GeneDx
Classification: Uncertain significance. Last evaluated: 2024-08-10. Review status: criteria provided, single submitter. Criteria: GeneDx Variant Classification Process June 2021. Collection method: clinical testing. Allele origin: germline. Affected: yes.
Comment: Not observed at significant frequency in large population cohorts (gnomAD); In silico analysis indicates that this missense variant does not alter protein structure/function; Has not been previously published as pathogenic or benign to our knowledge

NM_024496.4(IRF2BPL):c.1264G>A (p.Glu422Lys)

Gene: IRF2BPL (interferon regulatory factor 2 binding protein like; minus strand). Cytogenetic location: 14q24.3.
Variant type: single nucleotide variant.
Coding change: c.1264G>A on transcript NM_024496.4 (MANE Select); coding-DNA position 1264, G replaced by A.
Protein change: p.Glu422Lys; replaces glutamic acid 422 with lysine.
Molecular consequence: missense variant.
Genome position (GRCh38, 1-based): chr14:77,026,529, C>T on the plus strand (G>A on the coding strand, the complement: IRF2BPL is on the minus strand). VCF-style: chr14-77026529-C-T. GRCh37 (hg19) VCF-style: chr14-77492872-C-T.
Other names: short protein forms E422K.
Identifiers: ClinVar variation 3602822 (VCV003602822.1).